The following is an entry in ClinVar:

NM_014009.4(FOXP3):c.1093C>T (p.His365Tyr)

Gene: FOXP3 (forkhead box P3; minus strand). Cytogenetic location: Xp11.23.
Variant type: single nucleotide variant.
Coding change: c.1093C>T on transcript NM_014009.4 (MANE Select); coding-DNA position 1093, C replaced by T.
Protein change: p.His365Tyr; replaces histidine 365 with tyrosine.
Molecular consequence: missense variant.
Genome position (GRCh38, 1-based): chrX:49,251,717, G>A on the plus strand (C>T on the coding strand, the complement: FOXP3 is on the minus strand). VCF-style: chrX-49251717-G-A. GRCh37 (hg19) VCF-style: chrX-49108178-G-A.
Other names: c.988C>T, p.His330Tyr (NM_001114377.2); short protein forms H330Y, H365Y.
Identifiers: ClinVar variation 4743089 (VCV004743089.1).

ClinVar aggregate classification (germline): Uncertain significance (1 of 4 stars; one submission).

Conditions:
Insulin-dependent diabetes mellitus secretory diarrhea syndrome (IPEX). Also called: Immunodysregulation, polyendocrinopathy, and enteropathy, X-linked; Immunodeficiency, Polyendocrinopathy, and Enteropathy X-Linked Syndrome; X-Linked Syndrome of Polyendocrinopathy, Immune Dysfunction, and Diarrhea; DIABETES MELLITUS, CONGENITAL INSULIN-DEPENDENT, WITH FATAL SECRETORY DIARRHEA; DIARRHEA, POLYENDOCRINOPATHY, FATAL INFECTION SYNDROME, X-LINKED; ENTEROPATHY, AUTOIMMUNE, WITH HEMOLYTIC ANEMIA AND POLYENDOCRINOPATHY. Identifiers: Orphanet 37042, MedGen C0342288, MONDO:0010580, OMIM 304790. Disease mechanism: loss of function.

Submission:

Labcorp Genetics (formerly Invitae), Labcorp
Classification: Uncertain significance for Insulin-dependent diabetes mellitus secretory diarrhea syndrome. Last evaluated: 2025-09-24. Review status: criteria provided, single submitter. Criteria: Invitae Variant Classification Sherloc (09022015). Collection method: clinical testing. Allele origin: germline.
Comment: This sequence change replaces histidine, which is basic and polar, with tyrosine, which is neutral and polar, at codon 365 of the FOXP3 protein (p.His365Tyr). This variant is not present in population databases (gnomAD no frequency). This variant has not been reported in the literature in individuals affected with FOXP3-related conditions. Invitae Evidence Modeling of protein sequence and biophysical properties (such as structural, functional, and spatial information, amino acid conservation, physicochemical variation, residue mobility, and thermodynamic stability) indicates that this missense variant is not expected to disrupt FOXP3 protein function with a negative predictive value of 80%. In summary, the available evidence is currently insufficient to determine the role of this variant in disease. Therefore, it has been classified as a Variant of Uncertain Significance.